The following is an entry in ClinVar:

NM_001377.3(DYNC2H1):c.2702+1G>A

Gene: DYNC2H1 (dynein cytoplasmic 2 heavy chain 1; plus strand). Cytogenetic location: 11q22.3.
Variant type: single nucleotide variant.
Coding change: c.2702+1G>A on transcript NM_001377.3 (MANE Select); the canonical splice donor site of the intron after coding-DNA position 2702, G replaced by A.
Molecular consequence: splice donor variant.
Genome position (GRCh38, 1-based): chr11:103,143,396, G>A. VCF-style: chr11-103143396-G-A. GRCh37 (hg19) VCF-style: chr11-103014125-G-A.
Other names: c.2702+1G>A (NM_001080463.2).
Identifiers: ClinVar variation 220043 (VCV000220043.8), dbSNP rs864622358, ClinGen allele CA348357.
Genomic context (GRCh38, chr11:103,143,396, plus strand): 5'-TTGGGAGAAAAATTTTAAAGCATTAAAAATAAAGGGGAAAGAAGTAGAACGACTTCCAAG[G>A]TATTGGAGGTTAATGTAGTACTTACGTACCATAATAATTTTTTGACATGGACAGTAAGGG-3'

ClinVar aggregate classification (germline): Pathogenic/Likely pathogenic. Review status: criteria provided, multiple submitters, no conflicts (2 of 4 stars). 2 submissions from 2 submitters: Pathogenic (1); Likely pathogenic (1). Last evaluated 2023-08-02.

Conditions:
Jeune thoracic dystrophy. Also called: Short-rib thoracic dysplasia; Jeune syndrome; Infantile thoracic dystrophy; Thoracic pelvic phalangeal dystrophy; Jeune's syndrome; Chondroectodermal dysplasia-like syndrome. Identifiers: Orphanet 474, MedGen C0265275, MONDO:0018770.
Asphyxiating thoracic dystrophy 3. Also called: SHORT-RIB THORACIC DYSPLASIA 3 WITH OR WITHOUT POLYDACTYLY; POLYDACTYLY WITH NEONATAL CHONDRODYSTROPHY, TYPE I; SHORT-RIB THORACIC DYSPLASIA 3/6 WITH POLYDACTYLY, DIGENIC; Short rib polydactyly syndrome 2B; Saldino-Noonan Syndrome. Identifiers: Orphanet 474, Orphanet 93269, Orphanet 93270, Orphanet 93271, MedGen C0036069, MONDO:0013127, OMIM 613091.

Submissions (2):

Women's Health and Genetics/Laboratory Corporation of America, LabCorp
Classification: Likely pathogenic for Asphyxiating thoracic dystrophy 3. Last evaluated: 2023-08-02. Review status: criteria provided, single submitter. Criteria: LabCorp Variant Classification Summary - May 2015. Collection method: clinical testing. Allele origin: germline.
Comment: Variant summary: DYNC2H1 c.2702+1G>A is located in a canonical splice-site and is predicted to affect mRNA splicing resulting in a significantly altered protein due to either exon skipping, shortening, or inclusion of intronic material. Several computational tools predict a significant impact on normal splicing: Three predict the variant abolishes the canonical 5' splicing donor site. However, these predictions have yet to be confirmed by functional studies. The variant was absent in 243666 control chromosomes (gnomAD). To our knowledge, no occurrence of c.2702+1G>A in individuals affected with Short-rib thoracic dysplasia and no experimental evidence demonstrating its impact on protein function have been reported. One submitter has cited clinical-significance assessments for this variant to ClinVar after 2014 and has classified the variant as pathogenic. Based on the evidence outlined above, the variant was classified as likely pathogenic.

Labcorp Genetics (formerly Invitae), Labcorp
Classification: Pathogenic for Jeune thoracic dystrophy. Last evaluated: 2015-08-28. Review status: criteria provided, single submitter. Criteria: Invitae Variant Classification Sherloc (09022015). Collection method: clinical testing. Allele origin: germline.
Comment: For these reasons, this variant has been classified as Pathogenic. The phase of the two variants were confirmed through parental testing. While this particular variant has not been reported in the literature, truncating variants in DYNC2H1 are known to be pathogenic (PMID: 22499340, 23339108). This sequence change affects a donor splice site in intron 18. It is expected to disrupt mRNA splicing and likely results in an absent or disrupted protein product.

Literature cited by the submitters: PubMed 22499340 (cited by Labcorp Genetics (formerly Invitae), Labcorp); PubMed 23339108 (cited by Labcorp Genetics (formerly Invitae), Labcorp).